The following is an entry in ClinVar:

ClinVar aggregate classification (germline): Likely benign. Review status: criteria provided, single submitter (1 of 4 stars). 2 submissions from 2 submitters: Likely benign (1). 1 of the submissions does not count toward it. Last evaluated 2022-04-07.

Conditions:
PEX19-related disorder. Also called: PEX19-related condition.
Peroxisome biogenesis disorder 12A (Zellweger). Also called: Peroxisome biogenesis disorder 12A. Identifiers: Orphanet 912, MedGen C3554002, MONDO:0013951, OMIM 614886.

Allele frequency attached by ClinVar (database versions not stated): gnomAD exomes below 0.00001.
gnomAD v4.1: 1 of 1,614,106 alleles (0.000062%); highest among the groups gnomAD compares: Non-Finnish European, 0.000085%; no homozygotes.

Submissions (2):

Labcorp Genetics (formerly Invitae), Labcorp
Classification: Likely benign for Peroxisome biogenesis disorder 12A (Zellweger). Last evaluated: 2022-04-07. Review status: criteria provided, single submitter. Criteria: Invitae Variant Classification Sherloc (09022015). Collection method: clinical testing. Allele origin: germline.

PreventionGenetics, part of Exact Sciences
Classification: Likely benign for PEX19-related condition. Last evaluated: 2020-10-21. Review status: no assertion criteria provided. Collection method: clinical testing. Allele origin: germline. Not counted in ClinVar's aggregate classification.
Comment: This variant is classified as likely benign based on ACMG/AMP sequence variant interpretation guidelines (Richards et al. 2015 PMID: 25741868, with internal and published modifications).

NM_002857.4(PEX19):c.438C>T (p.Ser146=)

Gene: PEX19 (peroxisomal biogenesis factor 19; minus strand). Cytogenetic location: 1q23.2.
Variant type: single nucleotide variant.
Coding change: c.438C>T on transcript NM_002857.4 (MANE Select); coding-DNA position 438, C replaced by T.
Protein change: p.Ser146=; no amino-acid change (serine 146 retained).
Molecular consequence: synonymous variant. On other transcripts: non-coding transcript variant (2).
Genome position (GRCh38, 1-based): chr1:160,282,195, G>A on the plus strand (C>T on the coding strand, the complement: PEX19 is on the minus strand). VCF-style: chr1-160282195-G-A. GRCh37 (hg19) VCF-style: chr1-160251985-G-A.
Other names: c.438C>T (NM_002857.3); c.438C>T, p.Ser146= (NM_001193644.1).
Identifiers: ClinVar variation 2116269 (VCV002116269.6), dbSNP rs2525311764, ClinGen allele CA421361902.